The following is an entry in ClinVar:

ClinVar aggregate classification (germline): Pathogenic/Likely pathogenic. Review status: criteria provided, multiple submitters, no conflicts (2 of 4 stars). 2 submissions from 2 submitters: Pathogenic (1); Likely pathogenic (1). Last evaluated 2023-04-20.

Conditions:
Blepharophimosis - intellectual disability syndrome, SBBYS type (SBBYSS). Also called: Say-Barber-Biesecker variant of Ohdo syndrome (SBBYSS); Say-Barber-Biesecker-Young-Simpson variant of Ohdo Syndrome; Say-Barber-Biesecker Variant of Ohdo Syndrome; Ohdo syndrome, SBBYS variant; SBBYSS syndrome; Say-Barber-Biesecker-Young-Simpson syndrome. Identifiers: Orphanet 3047, MedGen C1863557, MONDO:0011365, OMIM 603736.
Genitopatellar syndrome (GTPTS). Also called: Genitopatellar syndrome (GPS); ABSENT PATELLAE, SCROTAL HYPOPLASIA, RENAL ANOMALIES, FACIAL DYSMORPHISM, AND MENTAL RETARDATION. Identifiers: Orphanet 85201, MedGen C1853566, MONDO:0011640, OMIM 606170.

Submissions (2):

Duke University Health System Sequencing Clinic, Duke University Health System
Classification: Pathogenic for Blepharophimosis - intellectual disability syndrome, SBBYS type. Last evaluated: 2023-04-20. Review status: criteria provided, single submitter. Criteria: ACMG Guidelines, 2015. Collection method: research. Allele origin: de novo. Affected: yes.

Broad Center for Mendelian Genomics, Broad Institute of MIT and Harvard
Classification: Likely pathogenic for Genitopatellar syndrome. Last evaluated: 2023-01-25. Review status: criteria provided, single submitter. Criteria: ACMG Guidelines, 2015. Collection method: curation. Allele origin: germline. Inheritance: Autosomal dominant inheritance.
Comment: Trio exome analysis showed this variant to be de novo. The p.Ser1334LysfsTer8 variant in KAT6B has not been previously reported in individuals with genitopatellar syndrome. This variant was absent from large population studies. This variant is predicted to cause a frameshift, which alters the protein‚Äôs amino acid sequence beginning at position 1334 and leads to a premature termination codon 8 amino acids downstream. This termination codon occurs within the terminal 50 bases of the last exon and is more likely to escape nonsense mediated decay (NMD) and result in a truncated protein. Heterozygous loss of function of the KAT6B gene is an established disease mechanism in autosomal dominant genitopatellar syndrome. In summary, although additional studies are required to fully establish its clinical significance, this variant is likely pathogenic for autosomal recessive congenital myasthenic syndrome 19. ACMG/AMP Criteria applied: PVS1_Strong, PS2_Moderate, PM2_Supporting (Richards 2015).

NM_012330.4(KAT6B):c.3998dup (p.Ser1334fs)

Gene: KAT6B (lysine acetyltransferase 6B; plus strand). Cytogenetic location: 10q22.2.
Variant type: Duplication.
Coding change: c.3998dup on transcript NM_012330.4 (MANE Select); coding-DNA position 3998, one base duplicated (T; older notation c.3998dupT).
Protein change: p.Ser1334fs; shifts the reading frame from serine 1334.
Molecular consequence: frameshift variant.
Genome position (GRCh38, 1-based): chr10:75,028,822, T duplicated. VCF-style (leftmost placement, unchanged base first): chr10-75028821-G-GT. GRCh37 (hg19) VCF-style: chr10-76788579-G-GT.
Other names: NM_001256469.2:c.3122dup; c.3998dupT (NM_012330.4); c.3449dup, p.Ser1151fs (NM_001256468.2, NM_001370138.1); c.3122dup, p.Ser1042fs (NM_001256469.2, NM_001370139.1, NM_001370140.1 and 2 more transcripts); c.2960dup, p.Ser988fs (NM_001370132.1); c.2309dup, p.Ser771fs (NM_001370133.1); c.1913dup, p.Ser639fs (NM_001370134.1); c.1655dup, p.Ser553fs (NM_001370135.1); and 2 more; short protein forms S1334fs, S553fs, S639fs, S1042fs, S1151fs, S771fs, S979fs, S988fs.
Identifiers: ClinVar variation 2412710 (VCV002412710.3), dbSNP rs2549198858, ClinGen allele CA2573332437.